The following is an entry in ClinVar:

NM_001349206.2(LPIN1):c.1852G>A (p.Gly618Arg)

Gene: LPIN1 (lipin 1; plus strand). Cytogenetic location: 2p25.1.
Variant type: single nucleotide variant.
Coding change: c.1852G>A on transcript NM_001349206.2 (MANE Select); coding-DNA position 1852, G replaced by A.
Protein change: p.Gly618Arg; replaces glycine 618 with arginine.
Molecular consequence: missense variant. On other transcripts: non-coding transcript variant (1).
Genome position (GRCh38, 1-based): chr2:11,795,453, G>A. VCF-style: chr2-11795453-G-A. GRCh37 (hg19) VCF-style: chr2-11935579-G-A.
Other names: p.Gly582Arg; c.1762G>A, p.Gly588Arg (NM_001261427.3); c.1999G>A, p.Gly667Arg (NM_001261428.3); c.1744G>A, p.Gly582Arg (NM_001349199.2, NM_145693.4); c.1822G>A, p.Gly608Arg (NM_001349200.2, NM_001349201.2); c.1849G>A, p.Gly617Arg (NM_001349202.2, NM_001349203.2); c.1852G>A, p.Gly618Arg (NM_001349204.2, NM_001349205.2); c.1942G>A, p.Gly648Arg (NM_001349207.2); and 1 more; short protein forms G618R, G631R, G588R, G582R, G648R, G667R, G608R, G617R.
Identifiers: ClinVar variation 894494 (VCV000894494.15), dbSNP rs146100011, ClinGen allele CA1533882.
Genomic context (GRCh38, chr2:11,795,453, plus strand): 5'-TTTCTTCTTTTCTAGGAAAGTAAGCCAGAGCAGTGCTTGGCTGGCAAGGCCCATAGCACC[G>A]GAGAGCAACCGCCGCAGCTCAGCTTGGCCACCAGGTGCGGTAGGAGGCTTCTTGGGATGT-3'
Protein context (NP_001336135.1, residues 608-628): QCLAGKAHST[Gly618Arg]EQPPQLSLAT

ClinVar aggregate classification (germline): Conflicting classifications of pathogenicity. Review status: criteria provided, conflicting classifications (1 of 4 stars). 4 submissions from 4 submitters: Uncertain significance (2); Likely benign (2). Last evaluated 2026-01-07.

Conditions:
Myoglobinuria, acute recurrent, autosomal recessive. Also called: Myoglobinuria, recurrent, autosomal recessive; MYOGLOBINURIA, FAMILIAL PAROXYSMAL PARALYTIC; RHABDOMYOLYSIS, ACUTE RECURRENT. Identifiers: Orphanet 99845, MedGen C1849386, MONDO:0009992, OMIM 268200.

Allele frequency attached by ClinVar (database versions not stated): 1000 Genomes Project 30x 0.00031; ESP Exome Variant Server 0.00031; 1000 Genomes Project 0.00040; TOPMed 0.00104.
gnomAD v4.1: 1,424 of 1,614,112 alleles (0.088%); highest among the groups gnomAD compares: Admixed American, 0.24%; 1 homozygote.

Submissions (4):

Labcorp Genetics (formerly Invitae), Labcorp
Classification: Likely benign. Last evaluated: 2026-01-07. Review status: criteria provided, single submitter. Criteria: Invitae Variant Classification Sherloc (09022015). Collection method: clinical testing. Allele origin: germline.

Mayo Clinic Laboratories, Mayo Clinic
Classification: Likely benign. Last evaluated: 2025-07-17. Review status: criteria provided, single submitter. Criteria: ACMG Guidelines, 2015. Collection method: clinical testing. Allele origin: germline. Observed: 1 variant allele.
Comment: BS1

GeneDx
Classification: Uncertain significance. Last evaluated: 2024-01-24. Review status: criteria provided, single submitter. Criteria: GeneDx Variant Classification Process June 2021. Collection method: clinical testing. Allele origin: germline. Affected: yes.
Comment: Has been reported previously in a patient with severe insulin resistance and severe early-onset sensorimotor neuropathy; however this variant was also observed in this individual's father with no history of peripheral neuropathy nor clinical/biochemical evidence of insulin resistance or lipodystrophy, and Western blotting studies in patient fibroblasts and immunocytochemistry showed no discernible difference as compared to controls (PMID: 18591397); Has also been reported in a cohort of patients with dyslipidemia and metabolic disorders; however specific clinical details on the individual were not specified in this report (PMID: 32041611); In silico analysis supports that this missense variant has a deleterious effect on protein structure/function; This variant is associated with the following publications: (PMID: 32041611, 18591397)

Illumina Laboratory Services, Illumina
Classification: Uncertain significance for Myoglobinuria, acute recurrent, autosomal recessive. Last evaluated: 2017-04-27. Review status: criteria provided, single submitter. Criteria: ICSL Variant Classification Criteria 13 December 2019. Collection method: clinical testing. Allele origin: germline.
Comment: This variant was observed as part of a predisposition screen in an ostensibly healthy population. A literature search was performed for the gene, cDNA change, and amino acid change (where applicable). Publications were found based on this search. However, the evidence from the literature, in combination with allele frequency data from public databases where available, was not sufficient to rule this variant in or out of causing disease. Therefore, this variant is classified as a variant of unknown significance.

Literature cited by the submitters: PubMed 18591397 (cited by Mayo Clinic Laboratories, Mayo Clinic and Illumina Laboratory Services, Illumina); PubMed 32041611 (cited by Mayo Clinic Laboratories, Mayo Clinic).